The following is an entry in ClinVar:

ClinVar aggregate classification (germline): Uncertain significance (1 of 4 stars; one submission).

Submission:

Labcorp Genetics (formerly Invitae), Labcorp
Classification: Uncertain significance. Last evaluated: 2023-08-17. Review status: criteria provided, single submitter. Criteria: Invitae Variant Classification Sherloc (09022015). Collection method: clinical testing. Allele origin: germline.
Comment: This variant has not been reported in the literature in individuals affected with CAPN1-related conditions. In summary, the available evidence is currently insufficient to determine the role of this variant in disease. Therefore, it has been classified as a Variant of Uncertain Significance. Experimental studies and prediction algorithms are not available or were not evaluated, and the functional significance of this variant is currently unknown. This variant is not present in population databases (gnomAD no frequency). This variant, c.10_12del, results in the deletion of 1 amino acid(s) of the CAPN1 protein (p.Glu4del), but otherwise preserves the integrity of the reading frame.

NM_005186.4(CAPN1):c.7GAG[1] (p.Glu4del)

Gene: CAPN1 (calpain 1; plus strand). Cytogenetic location: 11q13.1.
Variant type: Microsatellite.
Coding change: c.7GAG[1] on transcript NM_005186.4 (MANE Select); one copy of the 3-base unit GAG starting at c.7; the reference has two copies in a row; one copy, 3 bases deleted.
Protein change: p.Glu4del; deletes glutamic acid 4.
Molecular consequence: inframe deletion. On other transcripts: non-coding transcript variant (1).
Genome position (GRCh38, 1-based): chr11:65,182,711-65,182,713, GAG deleted; deleting any 3 consecutive bases within chr11:65,182,707-65,182,713 gives the same sequence; the position shown is the placement nearest the transcript's 3' end. VCF-style (leftmost placement, unchanged base first): chr11-65182706-CGGA-C. GRCh37 (hg19) VCF-style: chr11-64950177-CGGA-C.
Other names: c.7GAG[1], p.Glu4del (NM_001198868.2, NM_001198869.2); c.-85_-83GAG[1] (NM_001198870.1); short protein forms E4del.
Identifiers: ClinVar variation 1952003 (VCV001952003.5), dbSNP rs2539250197, ClinGen allele CA2580615725.